The following is an entry in ClinVar:

NM_024529.5(CDC73):c.907+2C>G

Gene: CDC73 (cell division cycle 73; plus strand). Cytogenetic location: 1q31.2.
Variant type: single nucleotide variant.
Coding change: c.907+2C>G on transcript NM_024529.5 (MANE Select); the canonical splice donor site of the intron after coding-DNA position 907, C replaced by G.
Molecular consequence: splice donor variant.
Genome position (GRCh38, 1-based): chr1:193,150,384, C>G. VCF-style: chr1-193150384-C-G. GRCh37 (hg19) VCF-style: chr1-193119514-C-G.
Identifiers: ClinVar variation 3364066 (VCV003364066.1).

ClinVar aggregate classification (germline): Uncertain significance (1 of 4 stars; one submission).

Submission:

GeneDx
Classification: Uncertain significance. Last evaluated: 2023-11-10. Review status: criteria provided, single submitter. Criteria: GeneDx Variant Classification Process June 2021. Collection method: clinical testing. Allele origin: germline. Affected: yes.
Comment: Not observed at significant frequency in large population cohorts (gnomAD); In silico analysis supports a deleterious effect on splicing; Has not been previously published as pathogenic or benign to our knowledge